The following is an entry in ClinVar:

ClinVar aggregate classification (germline): Uncertain significance (1 of 4 stars; one submission).

Submission:

Labcorp Genetics (formerly Invitae), Labcorp
Classification: Uncertain significance. Last evaluated: 2023-05-07. Review status: criteria provided, single submitter. Criteria: Invitae Variant Classification Sherloc (09022015). Collection method: clinical testing. Allele origin: germline.
Comment: This sequence change replaces aspartic acid, which is acidic and polar, with glutamic acid, which is acidic and polar, at codon 569 of the DDX58 protein (p.Asp569Glu). This variant is not present in population databases (gnomAD no frequency). This variant has not been reported in the literature in individuals affected with DDX58-related conditions. Advanced modeling of protein sequence and biophysical properties (such as structural, functional, and spatial information, amino acid conservation, physicochemical variation, residue mobility, and thermodynamic stability) performed at Invitae indicates that this missense variant is not expected to disrupt DDX58 protein function. In summary, the available evidence is currently insufficient to determine the role of this variant in disease. Therefore, it has been classified as a Variant of Uncertain Significance.

NM_014314.4(RIGI):c.1707C>G (p.Asp569Glu)

Gene: RIGI (RNA sensor RIG-I; minus strand). Cytogenetic location: 9p21.1.
Variant type: single nucleotide variant.
Coding change: c.1707C>G on transcript NM_014314.4 (MANE Select); coding-DNA position 1707, C replaced by G.
Protein change: p.Asp569Glu; replaces aspartic acid 569 with glutamic acid.
Molecular consequence: missense variant.
Genome position (GRCh38, 1-based): chr9:32,480,286, G>C on the plus strand (C>G on the coding strand, the complement: RIGI is on the minus strand). VCF-style: chr9-32480286-G-C. GRCh37 (hg19) VCF-style: chr9-32480284-G-C.
Other names: c.1701C>G, p.Asp567Glu (NM_001385907.1); c.1707C>G, p.Asp569Glu (NM_001385909.1); c.1266C>G, p.Asp422Glu (NM_001385910.1); c.1098C>G, p.Asp366Glu (NM_001385912.1); c.1692C>G, p.Asp564Glu (NM_001385913.1); c.1263C>G, p.Asp421Glu (NM_001385914.1); short protein forms D564E, D366E, D422E, D569E, D567E, D421E.
Identifiers: ClinVar variation 2801940 (VCV002801940.3), dbSNP rs1410597530, ClinGen allele CA373151636.
Genomic context (GRCh38, chr9:32,480,286, plus strand): 5'-TCTCTGAGTAAGATCTTGCTCAATCTCATCGAATCCTGCTGCTCGGACATTGCTGAAGAA[G>C]TCTTTCAAGTAATCCAGAGCATCTTTCATTCGTGCATGCTCACTGATAATGAGGGCATCA-3'
Protein context (NP_055129.2, residues 559-579): RMKDALDYLK[Asp569Glu]FFSNVRAAGF